The following is an entry in ClinVar:

NM_001370259.2(MEN1):c.36G>A (p.Pro12=)

Gene: MEN1 (menin 1; minus strand). Cytogenetic location: 11q13.1.
Variant type: single nucleotide variant.
Coding change: c.36G>A on transcript NM_001370259.2 (MANE Select); coding-DNA position 36, G replaced by A.
Protein change: p.Pro12=; no amino-acid change (proline 12 retained).
Molecular consequence: synonymous variant.
Genome position (GRCh38, 1-based): chr11:64,810,074, C>T on the plus strand (G>A on the coding strand, the complement: MEN1 is on the minus strand). VCF-style: chr11-64810074-C-T. GRCh37 (hg19) VCF-style: chr11-64577546-C-T.
Other names: c.36G>A, p.Pro12= (NM_000244.4, NM_001370251.2, NM_001370260.2 and 9 more transcripts).
Identifiers: ClinVar variation 1143192 (VCV001143192.13), dbSNP rs775721366, ClinGen allele CA061093.

ClinVar aggregate classification (germline): Benign/Likely benign. Review status: criteria provided, multiple submitters, no conflicts (2 of 4 stars). 5 submissions from 5 submitters: Benign (1); Likely benign (4). Last evaluated 2025-11-09.

Conditions:
Multiple endocrine neoplasia, type 1 (MEN1). Also called: MEN I; WERMER SYNDROME; Endocrine adenomatosis multiple; MEN 1; MEA I. Identifiers: Orphanet 652, MedGen C0025267, MeSH D018761, MONDO:0007540, OMIM 131100.
Hereditary cancer-predisposing syndrome. Also called: Hereditary neoplastic syndrome; Tumor predisposition; Neoplastic Syndromes, Hereditary; Hereditary Cancer Syndrome. Identifiers: Orphanet 140162, MedGen C0027672, MeSH D009386, MONDO:0015356.

Submissions (5):

Labcorp Genetics (formerly Invitae), Labcorp
Classification: Likely benign for Multiple endocrine neoplasia, type 1. Last evaluated: 2025-11-09. Review status: criteria provided, single submitter. Criteria: Invitae Variant Classification Sherloc (09022015). Collection method: clinical testing. Allele origin: germline.

Myriad Genetics, Inc.
Classification: Benign for Multiple endocrine neoplasia, type 1. Last evaluated: 2024-10-31. Review status: criteria provided, single submitter. Criteria: Myriad Autosomal Dominant, Autosomal Recessive and X-Linked Classification Criteria (2023). Collection method: clinical testing. Allele origin: unknown.
Comment: This variant is considered benign. This variant is a silent/synonymous amino acid change and it is not expected to impact splicing.

All of Us Research Program, National Institutes of Health
Classification: Likely benign for Multiple endocrine neoplasia, type 1. Last evaluated: 2023-05-30. Review status: criteria provided, single submitter. Criteria: ACMG Guidelines, 2015. Collection method: clinical testing. Allele origin: germline. Inheritance: Autosomal dominant inheritance. Observed: 1 variant allele, 1 heterozygote.
Comment: This study involves interpretation of variants in research participants for the purpose of population health screening. Participant phenotype was not available at the time of variant classification. Additional details can be found in publication PMID: 35346344, PMCID: PMC8962531

Color Diagnostics, LLC DBA Color Health
Classification: Likely benign for Multiple endocrine neoplasia, type 1. Last evaluated: 2023-05-10. Review status: criteria provided, single submitter. Criteria: ACMG Guidelines, 2015. Collection method: clinical testing. Allele origin: germline.

Ambry Genetics
Classification: Likely benign for Hereditary cancer-predisposing syndrome. Last evaluated: 2020-11-24. Review status: criteria provided, single submitter. Criteria: Ambry Variant Classification Scheme 2023. Collection method: clinical testing. Allele origin: germline.